The following is an entry in ClinVar:

NM_032444.4(SLX4):c.4597G>C (p.Ala1533Pro)

Gene: SLX4 (SLX4 structure-specific endonuclease subunit; minus strand). Cytogenetic location: 16p13.3.
Variant type: single nucleotide variant.
Coding change: c.4597G>C on transcript NM_032444.4 (MANE Select); coding-DNA position 4597, G replaced by C.
Protein change: p.Ala1533Pro; replaces alanine 1533 with proline.
Molecular consequence: missense variant.
Genome position (GRCh38, 1-based): chr16:3,589,041, C>G on the plus strand (G>C on the coding strand, the complement: SLX4 is on the minus strand). VCF-style: chr16-3589041-C-G. GRCh37 (hg19) VCF-style: chr16-3639042-C-G.
Other names: short protein forms A1533P.
Identifiers: ClinVar variation 4751255 (VCV004751255.1).

ClinVar aggregate classification (germline): Uncertain significance (1 of 4 stars; one submission).

Conditions:
Fanconi anemia (FA). Also called: Fanconi's anemia. Identifiers: Orphanet 84, MedGen C0015625, MeSH D005199, MONDO:0019391.

Submission:

Labcorp Genetics (formerly Invitae), Labcorp
Classification: Uncertain significance for Fanconi anemia. Last evaluated: 2025-05-23. Review status: criteria provided, single submitter. Criteria: Invitae Variant Classification Sherloc (09022015). Collection method: clinical testing. Allele origin: germline.
Comment: This sequence change replaces alanine, which is neutral and non-polar, with proline, which is neutral and non-polar, at codon 1533 of the SLX4 protein (p.Ala1533Pro). This variant is not present in population databases (gnomAD no frequency). This variant has not been reported in the literature in individuals affected with SLX4-related conditions. An algorithm developed to predict the effect of missense changes on protein structure and function outputs the following: PolyPhen-2: "Possibly Damaging". The proline amino acid residue is found in multiple mammalian species, which suggests that this missense change does not adversely affect protein function. In summary, the available evidence is currently insufficient to determine the role of this variant in disease. Therefore, it has been classified as a Variant of Uncertain Significance.